The following is an entry in ClinVar:

NM_003742.4(ABCB11):c.516G>A (p.Gln172=)

Gene: ABCB11 (ATP binding cassette subfamily B member 11; minus strand). Cytogenetic location: 2q31.1.
Variant type: single nucleotide variant.
Coding change: c.516G>A on transcript NM_003742.4 (MANE Select); coding-DNA position 516, G replaced by A.
Protein change: p.Gln172=; no amino-acid change (glutamine 172 retained).
Molecular consequence: synonymous variant.
Genome position (GRCh38, 1-based): chr2:168,995,444, C>T on the plus strand (G>A on the coding strand, the complement: ABCB11 is on the minus strand). VCF-style: chr2-168995444-C-T. GRCh37 (hg19) VCF-style: chr2-169851954-C-T.
Other names: c.516G>A (NM_003742.2).
Identifiers: ClinVar variation 1141955 (VCV001141955.10), dbSNP rs371303460, ClinGen allele CA1951855.

ClinVar aggregate classification (germline): Likely benign. Review status: criteria provided, multiple submitters, no conflicts (2 of 4 stars). 2 submissions from 2 submitters: Likely benign (2). Last evaluated 2025-05-22.

Conditions:
ABCB11-related disorder. Also called: ABCB11-related condition.

Allele frequency attached by ClinVar (database versions not stated): 1000 Genomes Project 0.00020; gnomAD exomes 0.00001 and 0.00002; ExAC 0.00003; ESP Exome Variant Server 0.00008; TOPMed 0.00010; gnomAD 0.00012 and 0.00014; 1000 Genomes Project 30x 0.00016.
gnomAD v4.1: 33 of 1,612,052 alleles (0.002%); highest among the groups gnomAD compares: African/African-American, 0.043%; no homozygotes.

Submissions (2):

PreventionGenetics, part of Exact Sciences
Classification: Likely benign for ABCB11-related condition. Last evaluated: 2025-05-22. Review status: criteria provided, single submitter. Criteria: ACMG Guidelines, 2015. Collection method: clinical testing. Allele origin: germline.
Comment: This variant is classified as likely benign based on ACMG/AMP sequence variant interpretation guidelines (Richards et al. 2015 PMID: 25741868, with internal and published modifications).

Labcorp Genetics (formerly Invitae), Labcorp
Classification: Likely benign. Last evaluated: 2024-02-25. Review status: criteria provided, single submitter. Criteria: Invitae Variant Classification Sherloc (09022015). Collection method: clinical testing. Allele origin: germline.